The following is an entry in ClinVar:

ClinVar aggregate classification (germline): Uncertain significance. Review status: criteria provided, multiple submitters, no conflicts (2 of 4 stars). 4 submissions from 4 submitters: Uncertain significance (3). 1 of the submissions does not count toward it. Last evaluated 2022-10-31.

Conditions:
OTOG-related disorder. Also called: OTOG-related condition.

Allele frequency attached by ClinVar (database versions not stated): gnomAD exomes 0.00004; 1000 Genomes Project 30x 0.00016; ExAC 0.00018; TOPMed 0.00025; gnomAD 0.00026.

Submissions (4):

Blueprint Genetics
Classification: Uncertain significance. Last evaluated: 2022-10-31. Review status: criteria provided, single submitter. Criteria: ACMG Guidelines, 2015. Collection method: clinical testing. Allele origin: germline.

GeneDx
Classification: Uncertain significance. Last evaluated: 2022-08-24. Review status: criteria provided, single submitter. Criteria: GeneDx Variant Classification Process June 2021. Collection method: clinical testing. Allele origin: germline. Affected: yes.
Comment: In-frame deletion of 2 amino acids and insertion of 1 amino acid in a non-repeat region; In silico analysis supports a deleterious effect on protein structure/function; Has not been previously published as pathogenic or benign to our knowledge

Labcorp Genetics (formerly Invitae), Labcorp
Classification: Uncertain significance. Last evaluated: 2022-08-10. Review status: criteria provided, single submitter. Criteria: Invitae Variant Classification Sherloc (09022015). Collection method: clinical testing. Allele origin: germline.
Comment: This variant, c.557_559del, is a complex sequence change that results in the deletion of 2 and insertion of 1 amino acid(s) in the OTOG protein (p.Gly186_Gln187delinsGlu). This variant is present in population databases (rs777988416, gnomAD 0.2%). This variant has not been reported in the literature in individuals affected with OTOG-related conditions. Experimental studies and prediction algorithms are not available or were not evaluated, and the functional significance of this variant is currently unknown. In summary, the available evidence is currently insufficient to determine the role of this variant in disease. Therefore, it has been classified as a Variant of Uncertain Significance.

PreventionGenetics, part of Exact Sciences
Classification: Likely benign for OTOG-related condition. Last evaluated: 2022-11-02. Review status: no assertion criteria provided. Collection method: clinical testing. Allele origin: germline. Not counted in ClinVar's aggregate classification.
Comment: This variant is classified as likely benign based on ACMG/AMP sequence variant interpretation guidelines (Richards et al. 2015 PMID: 25741868, with internal and published modifications).

NM_001292063.2(OTOG):c.521_523del (p.Gly174_Gln175delinsGlu)

Gene: OTOG (otogelin; plus strand). Cytogenetic location: 11p15.1.
Variant type: Deletion.
Coding change: c.521_523del on transcript NM_001292063.2 (MANE Select); coding-DNA positions 521 to 523, 3 bases deleted (GAC; older notation c.521_523delGAC).
Protein change: p.Gly174_Gln175delinsGlu.
Molecular consequence: inframe indel.
Genome position (GRCh38, 1-based): chr11:17,553,500-17,553,502, GAC deleted. VCF-style (leftmost placement, unchanged base first): chr11-17553499-GGAC-G. GRCh37 (hg19) VCF-style: chr11-17575046-GGAC-G.
Other names: c.557_559delGAC (NM_001277269.1); c.557_559del, p.Gly186_Gln187delinsGlu (NM_001277269.2).
Identifiers: ClinVar variation 1704155 (VCV001704155.6), dbSNP rs777988416, ClinGen allele CA5905368.